The following is an entry in ClinVar:

NM_003079.5(SMARCE1):c.998A>G (p.Lys333Arg)

Gene: SMARCE1 (SWI/SNF related BAF chromatin remodeling complex subunit E1; minus strand). Cytogenetic location: 17q21.2.
Variant type: single nucleotide variant.
Coding change: c.998A>G on transcript NM_003079.5 (MANE Select); coding-DNA position 998, A replaced by G.
Protein change: p.Lys333Arg; replaces lysine 333 with arginine.
Molecular consequence: missense variant.
Genome position (GRCh38, 1-based): chr17:40,630,743, T>C on the plus strand (A>G on the coding strand, the complement: SMARCE1 is on the minus strand). VCF-style: chr17-40630743-T-C. GRCh37 (hg19) VCF-style: chr17-38786995-T-C.
Other names: short protein forms K333R.
Identifiers: ClinVar variation 1487252 (VCV001487252.6), dbSNP rs948161312, ClinGen allele CA399363216.

ClinVar aggregate classification (germline): Uncertain significance (1 of 4 stars; one submission).

Conditions:
Familial meningioma. Also called: Meningioma, familial, susceptibility to. Identifiers: Orphanet 263662, MedGen C3551915, MONDO:0011789, OMIM 607174.

Allele frequency attached by ClinVar (database versions not stated): gnomAD exomes below 0.00001.
gnomAD v4.1: 1 of 1,614,170 alleles (0.000062%); highest among the groups gnomAD compares: Admixed American, 0.0017%; no homozygotes.

Submission:

Labcorp Genetics (formerly Invitae), Labcorp
Classification: Uncertain significance for Familial meningioma. Last evaluated: 2024-05-06. Review status: criteria provided, single submitter. Criteria: Invitae Variant Classification Sherloc (09022015). Collection method: clinical testing. Allele origin: germline.
Comment: This sequence change replaces lysine, which is basic and polar, with arginine, which is basic and polar, at codon 333 of the SMARCE1 protein (p.Lys333Arg). This variant is present in population databases (no rsID available, gnomAD 0.003%). This variant has not been reported in the literature in individuals affected with SMARCE1-related conditions. ClinVar contains an entry for this variant (Variation ID: 1487252). Advanced modeling of protein sequence and biophysical properties (such as structural, functional, and spatial information, amino acid conservation, physicochemical variation, residue mobility, and thermodynamic stability) performed at Invitae indicates that this missense variant is not expected to disrupt SMARCE1 protein function with a negative predictive value of 80%. In summary, the available evidence is currently insufficient to determine the role of this variant in disease. Therefore, it has been classified as a Variant of Uncertain Significance.